The following is an entry in ClinVar:

NM_004380.3(CREBBP):c.7212A>G (p.Glu2404=)

Gene: CREBBP (CREB binding lysine acetyltransferase; minus strand). Cytogenetic location: 16p13.3.
Variant type: single nucleotide variant.
Coding change: c.7212A>G on transcript NM_004380.3 (MANE Select); coding-DNA position 7212, A replaced by G.
Protein change: p.Glu2404=; no amino-acid change (glutamic acid 2404 retained).
Molecular consequence: synonymous variant.
Genome position (GRCh38, 1-based): chr16:3,727,835, T>C on the plus strand (A>G on the coding strand, the complement: CREBBP is on the minus strand). VCF-style: chr16-3727835-T-C. GRCh37 (hg19) VCF-style: chr16-3777836-T-C.
Other names: c.7098A>G, p.Glu2366= (NM_001079846.1).
Identifiers: ClinVar variation 95067 (VCV000095067.27), dbSNP rs55916120, ClinGen allele CA148150.

ClinVar aggregate classification (germline): Benign/Likely benign. Review status: criteria provided, multiple submitters, no conflicts (2 of 4 stars). 9 submissions from 9 submitters: Benign (7); Likely benign (2). Last evaluated 2026-02-03.

Conditions:
Rubinstein-Taybi syndrome (RSTS). Identifiers: Orphanet 783, MedGen C0035934, MONDO:0019188.
Inborn genetic diseases. Identifiers: MedGen C0950123, MeSH D030342.
Menke-Hennekam syndrome 1 (MKHK1). Identifiers: MedGen C5193034, MONDO:0020763, OMIM 618332.
Rubinstein-Taybi syndrome due to CREBBP mutations (RSTS1). Also called: BROAD THUMB-HALLUX SYNDROME; CREBBP-Related Rubinstein-Taybi Syndrome; RUBINSTEIN SYNDROME; RUBINSTEIN-TAYBI SYNDROME 1, INCOMPLETE; Rubinstein-Taybi syndrome 1; BROAD THUMBS AND GREAT TOES, CHARACTERISTIC FACIES, AND IMPAIRED INTELLECTUAL DEVELOPMENT. Identifiers: Orphanet 353277, Orphanet 783, MedGen C4551859, MONDO:0008393, OMIM 180849.

Allele frequency attached by ClinVar (database versions not stated): gnomAD 0.01712 and 0.01802; ESP Exome Variant Server 0.01862; gnomAD exomes 0.02566 and 0.01638; 1000 Genomes Project 0.00879; 1000 Genomes Project 30x 0.00906; ExAC 0.01634; TOPMed 0.01667.
gnomAD v4.1: 39,823 of 1,614,136 alleles (2.5%); highest among the groups gnomAD compares: Non-Finnish European, 3%; 575 homozygotes.

Submissions (9):

Labcorp Genetics (formerly Invitae), Labcorp
Classification: Benign for Rubinstein-Taybi syndrome. Last evaluated: 2026-02-03. Review status: criteria provided, single submitter. Criteria: Invitae Variant Classification Sherloc (09022015). Collection method: clinical testing. Allele origin: germline.

Blueprint Genetics
Classification: Likely benign. Last evaluated: 2024-11-27. Review status: criteria provided, single submitter. Criteria: ACMG Guidelines, 2015. Collection method: clinical testing. Allele origin: germline.

Fulgent Genetics
Classification: Likely benign for Rubinstein-Taybi syndrome due to CREBBP mutations; Menke-Hennekam syndrome 1. Last evaluated: 2022-02-02. Review status: criteria provided, single submitter. Criteria: ACMG Guidelines, 2015. Collection method: clinical testing. Allele origin: unknown.

GeneDx
Classification: Benign. Last evaluated: 2016-06-16. Review status: criteria provided, single submitter. Criteria: GeneDx Variant Classification (06012015). Collection method: clinical testing. Allele origin: germline. Affected: yes.
Comment: This variant is considered likely benign or benign based on one or more of the following criteria: it is a conservative change, it occurs at a poorly conserved position in the protein, it is predicted to be benign by multiple in silico algorithms, and/or has population frequency not consistent with disease.

Ambry Genetics
Classification: Benign for Inborn genetic diseases. Last evaluated: 2016-05-17. Review status: criteria provided, single submitter. Criteria: Ambry Variant Classification Scheme 2023. Collection method: clinical testing. Allele origin: germline.

Eurofins Ntd Llc (ga)
Classification: Benign. Last evaluated: 2013-03-18. Review status: criteria provided, single submitter. Criteria: EGL Classification Definitions 2015. Collection method: clinical testing. Allele origin: germline. Observed: 3 variant alleles, 3 heterozygotes.

Genetic Services Laboratory, University of Chicago
Classification: Benign. Last evaluated: 2013-02-08. Review status: criteria provided, single submitter. Criteria: ACMG Guidelines, 2007. Collection method: clinical testing. Allele origin: germline. Inheritance: Autosomal dominant inheritance.

Breakthrough Genomics
Classification: Benign. Review status: criteria provided, single submitter. Criteria: ACMG Guidelines, 2015. Collection method: not provided. Allele origin: germline. Inheritance: Autosomal dominant inheritance. Affected: yes.

PreventionGenetics, part of Exact Sciences
Classification: Benign. Review status: criteria provided, single submitter. Criteria: ACMG Guidelines, 2015. Collection method: clinical testing. Allele origin: germline.